The following is an entry in ClinVar:

ClinVar aggregate classification (germline): Uncertain significance (1 of 4 stars; one submission).

Conditions:
Left ventricular noncompaction 8 (LVNC8). Identifiers: Orphanet 154, Orphanet 54260, MedGen C3809288, MONDO:0014152, OMIM 615373.

Allele frequency attached by ClinVar (database versions not stated): gnomAD exomes below 0.00001 and 0.00001.
gnomAD v4.1: 12 of 1,611,534 alleles (0.00074%); highest among the groups gnomAD compares: Admixed American, 0.0017%; no homozygotes.

Submission:

Labcorp Genetics (formerly Invitae), Labcorp
Classification: Uncertain significance for Left ventricular noncompaction 8. Last evaluated: 2016-12-05. Review status: criteria provided, single submitter. Criteria: Invitae Variant Classification Sherloc (09022015). Collection method: clinical testing. Allele origin: germline.
Comment: In summary, this variant is a novel missense change with uncertain impact on protein function. It has been classified as a Variant of Uncertain Significance. Algorithms developed to predict the effect of missense changes on protein structure and function do not agree on the potential impact of this missense change (SIFT: "Deleterious"; PolyPhen-2: "Probably Damaging"; Align-GVGD: "Class C0"). This variant is not present in population databases (ExAC no frequency) and has not been reported in the literature in individuals with a PRDM16-related disease. This sequence change replaces proline with leucine at codon 67 of the PRDM16 protein (p.Pro67Leu). The proline residue is moderately conserved and there is a moderate physicochemical difference between proline and leucine.

NM_022114.4(PRDM16):c.200C>T (p.Pro67Leu)

Gene: PRDM16 (PR/SET domain 16; plus strand). Cytogenetic location: 1p36.32.
Variant type: single nucleotide variant.
Coding change: c.200C>T on transcript NM_022114.4 (MANE Select); coding-DNA position 200, C replaced by T.
Protein change: p.Pro67Leu; replaces proline 67 with leucine.
Molecular consequence: missense variant.
Genome position (GRCh38, 1-based): chr1:3,186,287, C>T. VCF-style: chr1-3186287-C-T. GRCh37 (hg19) VCF-style: chr1-3102851-C-T.
Other names: c.200C>T, p.Pro67Leu (NM_199454.3); short protein forms P67L.
Identifiers: ClinVar variation 406237 (VCV000406237.8), dbSNP rs1060501005, ClinGen allele CA16610082.